The following is an entry in ClinVar:

ClinVar aggregate classification (germline): Uncertain significance (1 of 4 stars; one submission).

gnomAD v4.1: 11 of 1,614,160 alleles (0.00068%); highest among the groups gnomAD compares: Non-Finnish European, 0.00093%; no homozygotes.

Submission:

Labcorp Genetics (formerly Invitae), Labcorp
Classification: Uncertain significance. Last evaluated: 2025-10-01. Review status: criteria provided, single submitter. Criteria: Invitae Variant Classification Sherloc (09022015). Collection method: clinical testing. Allele origin: germline.
Comment: This sequence change replaces serine, which is neutral and polar, with phenylalanine, which is neutral and non-polar, at codon 627 of the KANK1 protein (p.Ser627Phe). This variant is not present in population databases (gnomAD no frequency). This variant has not been reported in the literature in individuals affected with KANK1-related conditions. Invitae Evidence Modeling of protein sequence and biophysical properties (such as structural, functional, and spatial information, amino acid conservation, physicochemical variation, residue mobility, and thermodynamic stability) indicates that this missense variant is expected to disrupt KANK1 protein function with a positive predictive value of 80%. In summary, the available evidence is currently insufficient to determine the role of this variant in disease. Therefore, it has been classified as a Variant of Uncertain Significance.

NM_015158.5(KANK1):c.1880C>T (p.Ser627Phe)

Gene: KANK1 (KN motif and ankyrin repeat domains 1; plus strand). Cytogenetic location: 9p24.3.
Variant type: single nucleotide variant.
Coding change: c.1880C>T on transcript NM_015158.5 (MANE Select); coding-DNA position 1880, C replaced by T.
Protein change: p.Ser627Phe; replaces serine 627 with phenylalanine.
Molecular consequence: missense variant. On other transcripts: non-coding transcript variant (1).
Genome position (GRCh38, 1-based): chr9:712,646, C>T. VCF-style: chr9-712646-C-T. GRCh37 (hg19) VCF-style: chr9-712646-C-T.
Other names: c.1880C>T, p.Ser627Phe (NM_001256876.3, NM_001256877.3, NM_001354331.2 and 3 more transcripts); c.1406C>T, p.Ser469Phe (NM_001354333.2, NM_001354335.2, NM_001354336.2 and 10 more transcripts); short protein forms S627F, S469F.
Identifiers: ClinVar variation 4765472 (VCV004765472.1).